The following is an entry in ClinVar:

ClinVar aggregate classification (germline): Likely benign (1 of 4 stars; one submission).

Conditions:
LRP10-related disorder. Also called: LRP10-related condition.

gnomAD v4.1: 320 of 1,614,060 alleles (0.02%); highest among the groups gnomAD compares: East Asian, 0.64%; 1 homozygote.

Submission:

PreventionGenetics, part of Exact Sciences
Classification: Likely benign for LRP10-related condition. Last evaluated: 2026-08-09. Review status: criteria provided, single submitter. Criteria: ACMG Guidelines, 2015. Collection method: clinical testing. Allele origin: germline.
Comment: This variant is classified as likely benign based on ACMG/AMP sequence variant interpretation guidelines (Richards et al. 2015 PMID: 25741868, with internal and published modifications).

NM_014045.5(LRP10):c.452G>A (p.Arg151His)

Gene: LRP10 (LDL receptor related protein 10; plus strand). Cytogenetic location: 14q11.2.
Variant type: single nucleotide variant.
Coding change: c.452G>A on transcript NM_014045.5 (MANE Select); coding-DNA position 452, G replaced by A.
Protein change: p.Arg151His; replaces arginine 151 with histidine.
Molecular consequence: missense variant.
Genome position (GRCh38, 1-based): chr14:22,875,400, G>A. VCF-style: chr14-22875400-G-A. GRCh37 (hg19) VCF-style: chr14-23344609-G-A.
Other names: c.452G>A, p.Arg151His (NM_001329226.2); short protein forms R151H.
Identifiers: ClinVar variation 4980919 (VCV004980919.1).